The following is an entry in ClinVar:

ClinVar aggregate classification (germline): Uncertain significance (1 of 4 stars; one submission).

Submission:

GeneDx
Classification: Uncertain significance. Last evaluated: 2021-06-29. Review status: criteria provided, single submitter. Criteria: GeneDx Variant Classification Process June 2021. Collection method: clinical testing. Allele origin: germline. Affected: yes.
Comment: Not observed at significant frequency in large population cohorts (Lek et al., 2016); In silico analysis supports that this missense variant does not alter protein structure/function; Has not been previously published as pathogenic or benign to our knowledge; This variant is associated with the following publications: (PMID: 27535533)

NM_001205254.2(OCLN):c.733A>G (p.Ile245Val)

Gene: OCLN (occludin; plus strand). Cytogenetic location: 5q13.2.
Variant type: single nucleotide variant.
Coding change: c.733A>G on transcript NM_001205254.2 (MANE Select); coding-DNA position 733, A replaced by G.
Protein change: p.Ile245Val; replaces isoleucine 245 with valine.
Molecular consequence: missense variant. On other transcripts: intron variant (1).
Genome position (GRCh38, 1-based): chr5:69,513,951, A>G. VCF-style: chr5-69513951-A-G. GRCh37 (hg19) VCF-style: chr5-68809778-A-G.
Other names: c.-21A>G (NM_001205255.2); c.733A>G, p.Ile245Val (NM_002538.4); c.729+4132A>G (NM_001410743.1); short protein forms I245V.
Identifiers: ClinVar variation 1331114 (VCV001331114.2), dbSNP rs2111989926, ClinGen allele CA360078087.